The following is an entry in ClinVar:

NM_001211.6(BUB1B):c.3121T>A (p.Leu1041Ile)

Genes: BUB1B (BUB1 mitotic checkpoint serine/threonine kinase B; plus strand), BUB1B-PAK6 (BUB1B-PAK6 readthrough; plus strand). Cytogenetic location: 15q15.1.
Variant type: single nucleotide variant.
Coding change: c.3121T>A on transcript NM_001211.6 (MANE Select); coding-DNA position 3121, T replaced by A.
Protein change: p.Leu1041Ile; replaces leucine 1041 with isoleucine.
Molecular consequence: missense variant. On other transcripts: intron variant (2).
Genome position (GRCh38, 1-based): chr15:40,220,727, T>A. VCF-style: chr15-40220727-T-A. GRCh37 (hg19) VCF-style: chr15-40512928-T-A.
Other names: c.-201+3060T>A (NM_001128628.3); c.-118+3060T>A (NM_001128629.3); short protein forms L1041I.
Identifiers: ClinVar variation 5033534 (VCV005033534.1).

ClinVar aggregate classification (germline): Uncertain significance (1 of 4 stars; one submission).

Conditions:
Inborn genetic diseases. Identifiers: MedGen C0950123, MeSH D030342.

Submission:

Ambry Genetics
Classification: Uncertain significance for Inborn genetic diseases. Last evaluated: 2026-08-11. Review status: criteria provided, single submitter. Criteria: Ambry Variant Classification Scheme 2023. Collection method: clinical testing. Allele origin: germline.
Comment: The p.L1041I variant (also known as c.3121T>A), located in coding exon 23 of the BUB1B gene, results from a T to A substitution at nucleotide position 3121. The leucine at codon 1041 is replaced by isoleucine, an amino acid with highly similar properties. This amino acid position is conserved. In addition, this alteration is predicted to be tolerated by in silico analysis. Based on the available evidence, the clinical significance of this variant remains unclear.